The following is an entry in ClinVar:

ClinVar aggregate classification (germline): Uncertain significance (1 of 4 stars; one submission).

Submission:

Labcorp Genetics (formerly Invitae), Labcorp
Classification: Uncertain significance. Last evaluated: 2022-09-08. Review status: criteria provided, single submitter. Criteria: Invitae Variant Classification Sherloc (09022015). Collection method: clinical testing. Allele origin: germline.
Comment: This sequence change replaces arginine, which is basic and polar, with glutamine, which is neutral and polar, at codon 99 of the LAT protein (p.Arg99Gln). This variant is present in population databases (rs769144660, gnomAD 0.02%). This variant has not been reported in the literature in individuals affected with LAT-related conditions. ClinVar contains an entry for this variant (Variation ID: 1346837). Algorithms developed to predict the effect of missense changes on protein structure and function output the following: SIFT: "Tolerated"; PolyPhen-2: "Benign"; Align-GVGD: "Class C0". The glutamine amino acid residue is found in multiple mammalian species, which suggests that this missense change does not adversely affect protein function. Algorithms developed to predict the effect of sequence changes on RNA splicing suggest that this variant may create or strengthen a splice site. In summary, the available evidence is currently insufficient to determine the role of this variant in disease. Therefore, it has been classified as a Variant of Uncertain Significance.

NM_001014987.2(LAT):c.296G>A (p.Arg99Gln)

Gene: LAT (linker for activation of T cells; plus strand). Cytogenetic location: 16p11.2.
Variant type: single nucleotide variant.
Coding change: c.296G>A on transcript NM_001014987.2 (MANE Select); coding-DNA position 296, G replaced by A.
Protein change: p.Arg99Gln; replaces arginine 99 with glutamine.
Molecular consequence: missense variant.
Genome position (GRCh38, 1-based): chr16:28,986,432, G>A. VCF-style: chr16-28986432-G-A. GRCh37 (hg19) VCF-style: chr16-28997753-G-A.
Other names: c.296G>A, p.Arg99Gln (NM_014387.4); c.293G>A, p.Arg98Gln (NM_001014988.2); c.404G>A, p.Arg135Gln (NM_001014989.2); short protein forms R135Q, R98Q, R99Q.
Identifiers: ClinVar variation 1346837 (VCV001346837.3), dbSNP rs769144660, ClinGen allele CA7989930.
Genomic context (GRCh38, chr16:28,986,432, plus strand): 5'-TGACTCCCAGAAGATCCCCGCAGCCCCTTGGGGGCTCCCACCGGACGCCATCTTCCCGGC[G>A]GGATTCTGATGGTGGTAAGTGTGGGGAAGGGTTCAGGCGGCGGGGGCTGGGAAGAAGATA-3'
Protein context (NP_001014987.1, residues 89-109): GGSHRTPSSR[Arg99Gln]DSDGANSVAS